The following is an entry in ClinVar:

NM_001145809.2(MYH14):c.3346C>T (p.Arg1116Trp)

Gene: MYH14 (myosin heavy chain 14; plus strand). Cytogenetic location: 19q13.33.
Variant type: single nucleotide variant.
Coding change: c.3346C>T on transcript NM_001145809.2 (MANE Select); coding-DNA position 3346, C replaced by T.
Protein change: p.Arg1116Trp; replaces arginine 1116 with tryptophan.
Molecular consequence: missense variant.
Genome position (GRCh38, 1-based): chr19:50,272,610, C>T. VCF-style: chr19-50272610-C-T. GRCh37 (hg19) VCF-style: chr19-50775867-C-T.
Other names: c.3247C>T, p.Arg1083Trp (NM_001077186.2); c.3223C>T, p.Arg1075Trp (NM_024729.4); short protein forms R1075W, R1083W, R1116W.
Identifiers: ClinVar variation 2650311 (VCV002650311.24), dbSNP rs759370085, ClinGen allele CA9593199.

ClinVar aggregate classification (germline): Uncertain significance (1 of 4 stars; one submission).

Allele frequency attached by ClinVar (database versions not stated): gnomAD 0.00001; gnomAD exomes 0.00001; TOPMed 0.00003; ExAC 0.00004.

Submission:

CeGaT Center for Human Genetics Tuebingen
Classification: Uncertain significance. Last evaluated: 2025-05-01. Review status: criteria provided, single submitter. Criteria: CeGaT Center For Human Genetics Tuebingen Variant Classification Criteria Version 2. Collection method: clinical testing. Allele origin: germline. Affected: yes. Observed: 1 variant allele.
Comment: MYH14: PM2